The following is an entry in ClinVar:

NM_007118.4(TRIO):c.2250C>A (p.His750Gln)

Gene: TRIO (trio Rho guanine nucleotide exchange factor; plus strand). Cytogenetic location: 5p15.2.
Variant type: single nucleotide variant.
Coding change: c.2250C>A on transcript NM_007118.4 (MANE Select); coding-DNA position 2250, C replaced by A.
Protein change: p.His750Gln; replaces histidine 750 with glutamine.
Molecular consequence: missense variant. On other transcripts: non-coding transcript variant (1).
Genome position (GRCh38, 1-based): chr5:14,359,390, C>A. VCF-style: chr5-14359390-C-A. GRCh37 (hg19) VCF-style: chr5-14359499-C-A.
Other names: short protein forms H750Q.
Identifiers: ClinVar variation 4083393 (VCV004083393.1).

ClinVar aggregate classification (germline): Uncertain significance (1 of 4 stars; one submission).

Submission:

GeneDx
Classification: Uncertain significance. Last evaluated: 2025-03-12. Review status: criteria provided, single submitter. Criteria: GeneDx Variant Classification Process June 2021. Collection method: clinical testing. Allele origin: germline. Affected: yes.
Comment: In silico analysis supports that this missense variant has a deleterious effect on protein structure/function; Has not been previously published as pathogenic or benign to our knowledge